The following is an entry in ClinVar:

ClinVar aggregate classification (germline): Uncertain significance (1 of 4 stars; one submission).

Allele frequency attached by ClinVar (database versions not stated): gnomAD 0.00001; gnomAD exomes 0.00001; TOPMed 0.00001.
gnomAD v4.1: 4 of 1,613,958 alleles (0.00025%); highest among the groups gnomAD compares: Non-Finnish European, 0.00034%; no homozygotes.

Submission:

Labcorp Genetics (formerly Invitae), Labcorp
Classification: Uncertain significance. Last evaluated: 2023-11-25. Review status: criteria provided, single submitter. Criteria: Invitae Variant Classification Sherloc (09022015). Collection method: clinical testing. Allele origin: germline.
Comment: This sequence change replaces lysine, which is basic and polar, with threonine, which is neutral and polar, at codon 625 of the KIF20A protein (p.Lys625Thr). This variant is not present in population databases (gnomAD no frequency). This variant has not been reported in the literature in individuals affected with KIF20A-related conditions. An algorithm developed to predict the effect of missense changes on protein structure and function (PolyPhen-2) suggests that this variant is likely to be disruptive. In summary, the available evidence is currently insufficient to determine the role of this variant in disease. Therefore, it has been classified as a Variant of Uncertain Significance.

NM_005733.3(KIF20A):c.1874A>C (p.Lys625Thr)

Gene: KIF20A (kinesin family member 20A; plus strand). Cytogenetic location: 5q31.2.
Variant type: single nucleotide variant.
Coding change: c.1874A>C on transcript NM_005733.3 (MANE Select); coding-DNA position 1874, A replaced by C.
Protein change: p.Lys625Thr; replaces lysine 625 with threonine.
Molecular consequence: missense variant.
Genome position (GRCh38, 1-based): chr5:138,185,145, A>C. VCF-style: chr5-138185145-A-C. GRCh37 (hg19) VCF-style: chr5-137520834-A-C.
Other names: short protein forms K625T.
Identifiers: ClinVar variation 2845769 (VCV002845769.3), dbSNP rs1426046306, ClinGen allele CA361117491.
Genomic context (GRCh38, chr5:138,185,145, plus strand): 5'-TTTCTGACAGTGAACATTTGGACACCCAAAAGGAACTATTGGAGGAAATGTATGAAGAAA[A>C]ACTAAATATCCTCAAGGAGTCACTGACAAGTTTTTACCAAGAAGAGATTCAGGTGAGTTG-3'
Protein context (NP_005724.1, residues 615-635): KELLEEMYEE[Lys625Thr]LNILKESLTS